The following is an entry in ClinVar:

ClinVar aggregate classification (germline): Uncertain significance. Review status: criteria provided, multiple submitters, no conflicts (2 of 4 stars). 2 submissions from 2 submitters: Uncertain significance (2). Last evaluated 2024-12-30.

Conditions:
Inborn genetic diseases. Identifiers: MedGen C0950123, MeSH D030342.

Allele frequency attached by ClinVar (database versions not stated): gnomAD exomes below 0.00001; gnomAD 0.00001; ExAC 0.00002; 1000 Genomes Project 30x 0.00016; 1000 Genomes Project 0.00020.

Submissions (2):

Ambry Genetics
Classification: Uncertain significance for Inborn genetic diseases. Last evaluated: 2024-12-30. Review status: criteria provided, single submitter. Criteria: Ambry Variant Classification Scheme 2023. Collection method: clinical testing. Allele origin: germline.

Labcorp Genetics (formerly Invitae), Labcorp
Classification: Uncertain significance. Last evaluated: 2022-07-18. Review status: criteria provided, single submitter. Criteria: Invitae Variant Classification Sherloc (09022015). Collection method: clinical testing. Allele origin: germline.
Comment: This sequence change replaces arginine, which is basic and polar, with lysine, which is basic and polar, at codon 1098 of the VPS13A protein (p.Arg1098Lys). This variant is present in population databases (rs199718003, gnomAD 0.002%). This variant has not been reported in the literature in individuals affected with VPS13A-related conditions. Algorithms developed to predict the effect of missense changes on protein structure and function output the following: SIFT: "Tolerated"; PolyPhen-2: "Benign"; Align-GVGD: "Class C0". The lysine amino acid residue is found in multiple mammalian species, which suggests that this missense change does not adversely affect protein function. In summary, the available evidence is currently insufficient to determine the role of this variant in disease. Therefore, it has been classified as a Variant of Uncertain Significance.

NM_033305.3(VPS13A):c.3293G>A (p.Arg1098Lys)

Gene: VPS13A (vacuolar protein sorting 13 homolog A; plus strand). Cytogenetic location: 9q21.2.
Variant type: single nucleotide variant.
Coding change: c.3293G>A on transcript NM_033305.3 (MANE Select); coding-DNA position 3293, G replaced by A.
Protein change: p.Arg1098Lys; replaces arginine 1098 with lysine.
Molecular consequence: missense variant.
Genome position (GRCh38, 1-based): chr9:77,283,604, G>A. VCF-style: chr9-77283604-G-A. GRCh37 (hg19) VCF-style: chr9-79898520-G-A.
Other names: c.3176G>A, p.Arg1059Lys (NM_001018037.2); c.3293G>A, p.Arg1098Lys (NM_001018038.3, NM_015186.4); c.3293G>A (NM_033305.2); short protein forms R1059K, R1098K.
Identifiers: ClinVar variation 2150634 (VCV002150634.2), dbSNP rs199718003, ClinGen allele CA5092213.